The following is an entry in ClinVar:

ClinVar aggregate classification (germline): Uncertain significance. Review status: criteria provided, multiple submitters, no conflicts (2 of 4 stars). 3 submissions from 3 submitters: Uncertain significance (3). Last evaluated 2024-11-20.

Conditions:
Inborn genetic diseases. Identifiers: MedGen C0950123, MeSH D030342.

Allele frequency attached by ClinVar (database versions not stated): TOPMed 0.00003; gnomAD 0.00004 and 0.00005; ExAC 0.00006; gnomAD exomes 0.00006 and 0.00007.
gnomAD v4.1: 91 of 1,613,698 alleles (0.0056%); highest among the groups gnomAD compares: South Asian, 0.024%; no homozygotes.

Submissions (3):

Blueprint Genetics
Classification: Uncertain significance. Last evaluated: 2024-11-20. Review status: criteria provided, single submitter. Criteria: ACMG Guidelines, 2015. Collection method: clinical testing. Allele origin: germline.

Ambry Genetics
Classification: Uncertain significance for Inborn genetic diseases. Last evaluated: 2023-04-04. Review status: criteria provided, single submitter. Criteria: Ambry Variant Classification Scheme 2023. Collection method: clinical testing. Allele origin: germline.

Labcorp Genetics (formerly Invitae), Labcorp
Classification: Uncertain significance. Last evaluated: 2022-07-07. Review status: criteria provided, single submitter. Criteria: Invitae Variant Classification Sherloc (09022015). Collection method: clinical testing. Allele origin: germline.
Comment: This sequence change replaces asparagine, which is neutral and polar, with lysine, which is basic and polar, at codon 2209 of the RTTN protein (p.Asn2209Lys). The frequency data for this variant in the population databases is considered unreliable, as metrics indicate poor data quality at this position in the gnomAD database. This variant has not been reported in the literature in individuals affected with RTTN-related conditions. ClinVar contains an entry for this variant (Variation ID: 1401602). Algorithms developed to predict the effect of missense changes on protein structure and function (SIFT, PolyPhen-2, Align-GVGD) all suggest that this variant is likely to be tolerated. In summary, the available evidence is currently insufficient to determine the role of this variant in disease. Therefore, it has been classified as a Variant of Uncertain Significance.

NM_173630.4(RTTN):c.6627T>G (p.Asn2209Lys)

Gene: RTTN (rotatin; minus strand). Cytogenetic location: 18q22.2.
Variant type: single nucleotide variant.
Coding change: c.6627T>G on transcript NM_173630.4 (MANE Select); coding-DNA position 6627, T replaced by G.
Protein change: p.Asn2209Lys; replaces asparagine 2209 with lysine.
Molecular consequence: missense variant.
Genome position (GRCh38, 1-based): chr18:70,004,205, A>C on the plus strand (T>G on the coding strand, the complement: RTTN is on the minus strand). VCF-style: chr18-70004205-A-C. GRCh37 (hg19) VCF-style: chr18-67671441-A-C.
Other names: c.6627T>G (NM_173630.3); c.3891T>G, p.Asn1297Lys (NM_001318520.2); short protein forms N1297K, N2209K.
Identifiers: ClinVar variation 1401602 (VCV001401602.5), dbSNP rs756900126, ClinGen allele CA8994597.